The following is an entry in ClinVar:

ClinVar aggregate classification (germline): Likely benign (1 of 4 stars; one submission).

Submission:

CeGaT Center for Human Genetics Tuebingen
Classification: Likely benign. Last evaluated: 2026-09-01. Review status: criteria provided, single submitter. Criteria: CeGaT Center For Human Genetics Tuebingen Variant Classification Criteria Version 2. Collection method: clinical testing. Allele origin: germline. Affected: yes. Observed: 3 variant alleles.
Comment: ZMYND8: BS1

NM_001281775.3(ZMYND8):c.235-1984_235-1983insACACAT

Gene: ZMYND8 (zinc finger MYND-type containing 8; minus strand). Cytogenetic location: 20q13.12.
Variant type: Microsatellite.
Coding change: c.235-1984_235-1983insACACAT on transcript NM_001281775.3 (MANE Select); 1984 bases into the intron before coding-DNA position 235 through 1983 bases into the intron before coding-DNA position 235, ACACAT inserted.
Molecular consequence: intron variant.
Genome position: GRCh38 VCF-style: chr20-47300930-G-GTGTGTA. GRCh37 (hg19) VCF-style: chr20-45929674-G-GTGTGTA.
Other names: c.235-2059_235-2058insACACAT (NM_001281781.3, NM_001281784.3, NM_001281771.3 and 4 more transcripts); c.235-1984_235-1983insACACAT (NM_001281776.3, NM_012408.6, NM_183047.4 and 2 more transcripts); c.-701-1984_-701-1983insACACAT (NM_001281780.3, NM_001281779.3); c.175-1984_175-1983insACACAT (NM_001281774.3, NM_001281773.3, NM_001363741.2); c.250-2059_250-2058insACACAT (NM_001281772.3); c.256-1984_256-1983insACACAT (NM_001363714.1).
Identifiers: ClinVar variation 4820663 (VCV004820663.4).